The following is an entry in ClinVar:

NM_017721.5(CC2D1A):c.1264C>T (p.Gln422Ter)

Gene: CC2D1A (coiled-coil and C2 domain containing 1A; plus strand). Cytogenetic location: 19p13.12.
Variant type: single nucleotide variant.
Coding change: c.1264C>T on transcript NM_017721.5 (MANE Select); coding-DNA position 1264, C replaced by T.
Protein change: p.Gln422Ter; replaces glutamine 422 with a stop codon.
Molecular consequence: nonsense.
Genome position (GRCh38, 1-based): chr19:13,919,859, C>T. VCF-style: chr19-13919859-C-T. GRCh37 (hg19) VCF-style: chr19-14030672-C-T.
Other names: c.1264C>T, p.Gln422Ter (NM_001411138.1); short protein forms Q422*.
Identifiers: ClinVar variation 3340097 (VCV003340097.2).

ClinVar aggregate classification (germline): Likely pathogenic (1 of 4 stars; one submission).

Conditions:
Ciliopathy. Also called: Ciliopathies. Identifiers: Orphanet 363250, MedGen C4277690, MONDO:0005308, MeSH D000072661.

Submission:

Pediatric Genomics Discovery Program, Yale University
Classification: Likely pathogenic for Ciliopathy. Last evaluated: 2024-09-09. Review status: criteria provided, single submitter. Criteria: ACMG Guidelines, 2015. Collection method: research. Allele origin: biparental. Inheritance: Autosomal recessive inheritance. Affected: yes. Observed: 2 homozygotes. Clinical features observed: Severe intellectual disability (HP:0010864), Seizure (HP:0001250), Abnormal facial shape (HP:0001999), Autism (HP:0000717), Multiple renal cysts (HP:0005562).
Comment: The Gln422Ter variant in CC2D1A has been reported in 1 family with autosomal recessive intellectual disability, seizure disorder, and other separate features; The CC2D1A variant in this family is very rare, absent in a large population study (Karczewski 2020). In summary, the Gln422Ter variant meets our criteria to be classified as likely pathogenic (ACMG 2015 criteria) as a null allele, absent in controls.

Literature cited by the submitters: PubMed 39168639; PubMed 32461654.